The following is an entry in ClinVar:

ClinVar aggregate classification (germline): Uncertain significance (1 of 4 stars; one submission).

Conditions:
Propionic acidemia (PROP). Also called: HYPERGLYCINEMIA WITH KETOACIDOSIS AND LEUKOPENIA; KETOTIC HYPERGLYCINEMIA; GLYCINEMIA, KETOTIC. Identifiers: Orphanet 35, MedGen C0268579, MONDO:0011628, OMIM 606054, HP:0003571.

Allele frequency attached by ClinVar (database versions not stated): gnomAD exomes below 0.00001; TOPMed below 0.00001; gnomAD 0.00001.
gnomAD v4.1: 3 of 1,613,772 alleles (0.00019%); highest among the groups gnomAD compares: African/African-American, 0.0027%; no homozygotes.

Submission:

Labcorp Genetics (formerly Invitae), Labcorp
Classification: Uncertain significance for Propionic acidemia. Last evaluated: 2022-03-18. Review status: criteria provided, single submitter. Criteria: Invitae Variant Classification Sherloc (09022015). Collection method: clinical testing. Allele origin: germline.
Comment: This sequence change falls in intron 9 of the PCCB gene. It does not directly change the encoded amino acid sequence of the PCCB protein. It affects a nucleotide within the consensus splice site. This variant is present in population databases (no rsID available, gnomAD 0.01%). This variant has not been reported in the literature in individuals affected with PCCB-related conditions. Variants that disrupt the consensus splice site are a relatively common cause of aberrant splicing (PMID: 17576681, 9536098). Algorithms developed to predict the effect of sequence changes on RNA splicing suggest that this variant is not likely to affect RNA splicing. In summary, the available evidence is currently insufficient to determine the role of this variant in disease. Therefore, it has been classified as a Variant of Uncertain Significance.

Literature cited by the submitters: PubMed 17576681; PubMed 9536098.

NM_000532.5(PCCB):c.967-3C>T

Gene: PCCB (propionyl-CoA carboxylase subunit beta; plus strand). Cytogenetic location: 3q22.3.
Variant type: single nucleotide variant.
Coding change: c.967-3C>T on transcript NM_000532.5 (MANE Select); 3 bases into the intron before coding-DNA position 967, C replaced by T.
Molecular consequence: intron variant.
Genome position (GRCh38, 1-based): chr3:136,316,938, C>T. VCF-style: chr3-136316938-C-T. GRCh37 (hg19) VCF-style: chr3-136035780-C-T.
Other names: c.1027-3C>T (NM_001178014.2).
Identifiers: ClinVar variation 1361045 (VCV001361045.3), dbSNP rs1186569803, ClinGen allele CA546475883.